The following is an entry in ClinVar:

ClinVar aggregate classification (germline): Uncertain significance (1 of 4 stars; one submission).

Conditions:
Neurofibromatosis, type 1 (NF1). Also called: Peripheral type neurofibromatosis; Neurofibromatosis, type I; VON RECKLINGHAUSEN DISEASE; NEUROFIBROMATOSIS, TYPE I, SOMATIC. Identifiers: Orphanet 636, MedGen C0027831, MONDO:0018975, OMIM 162200. Disease mechanism: loss of function.

Submission:

Labcorp Genetics (formerly Invitae), Labcorp
Classification: Uncertain significance for Neurofibromatosis, type 1. Last evaluated: 2021-08-12. Review status: criteria provided, single submitter. Criteria: Invitae Variant Classification Sherloc (09022015). Collection method: clinical testing. Allele origin: germline.
Comment: This variant results in a copy number gain of the genomic region encompassing exon(s) 40-45 of the NF1 gene. While the exact position of this variant cannot be determined from the data, sub-genic copy number gains are generally in tandem (PMID: 25640679). This variant is predicted to be in-frame, and likely preserves the integrity of the reading frame. This variant has not been reported in the literature in individuals affected with NF1-related conditions. Experimental studies and prediction algorithms are not available or were not evaluated, and the functional significance of this variant is currently unknown. In summary, the available evidence is currently insufficient to determine the role of this variant in disease. Therefore, it has been classified as a Variant of Uncertain Significance.

Literature cited by the submitters: PubMed 25640679.

NC_000017.10:g.(?_29663341)_(29665833_?)dup

Gene: NF1 (neurofibromin 1; plus strand). Cytogenetic location: 17q11.2.
Variant type: Duplication.
Identifiers: ClinVar variation 1409409 (VCV001409409.4).